The following is an entry in ClinVar:

NM_007194.4(CHEK2):c.1452G>A (p.Pro484=)

Gene: CHEK2 (checkpoint kinase 2; minus strand). Cytogenetic location: 22q12.1.
Variant type: single nucleotide variant.
Coding change: c.1452G>A on transcript NM_007194.4 (MANE Select); coding-DNA position 1452, G replaced by A.
Protein change: p.Pro484=; no amino-acid change (proline 484 retained).
Molecular consequence: synonymous variant.
Genome position (GRCh38, 1-based): chr22:28,694,041, C>T on the plus strand (G>A on the coding strand, the complement: CHEK2 is on the minus strand). VCF-style: chr22-28694041-C-T. GRCh37 (hg19) VCF-style: chr22-29090029-C-T.
Other names: c.1581G>A, p.Pro527= (NM_001005735.3); c.789G>A, p.Pro263= (NM_001257387.3); c.1251G>A, p.Pro417= (NM_001349956.3); c.1365G>A, p.Pro455= (NM_145862.3).
Identifiers: ClinVar variation 230446 (VCV000230446.31), dbSNP rs749156425, ClinGen allele CA10167654.
Genomic context (GRCh38, chr22:28,694,041, plus strand): 5'-CAGCAGGGCTTCCCATGTATTTTATGCTAGCAGGCACTGTCCCACACCCACCTGAAGCCA[C>T]GGGTGTCTTAAGGCTTCTTCTGTCGTAAAACGTGCCTTTGGATCCACTACCAACAACTTC-3'
Protein context (NP_009125.1, residues 474-494): RFTTEEALRH[Pro484=]WLQDEDMKRK

ClinVar aggregate classification (germline): Conflicting classifications of pathogenicity. Review status: criteria provided, conflicting classifications (1 of 4 stars). 14 submissions from 14 submitters: Uncertain significance (1); Benign (1); Likely benign (12). Last evaluated 2025-12-21.

Conditions:
CHEK2-related cancer predisposition (TPDS4). Also called: CHEK2-related cancer susceptibility; TUMOR PREDISPOSITION SYNDROME 4; CANCER PREDISPOSITION SYNDROME, CHEK2-RELATED. Identifiers: Orphanet 524, MedGen C5882668, MONDO:0700271, OMIM 609265.
Familial cancer of breast. Also called: hereditary breast carcinoma; Hereditary breast cancer; BREAST CANCER, FAMILIAL. Identifiers: Orphanet 227535, MedGen C0346153, MONDO:0016419, OMIM 114480. Disease mechanism: loss of function.
Hereditary nonpolyposis colon cancer (HNPCC). Also called: Hereditary Nonpolyposis Colorectal Cancer Syndrome; Hereditary nonpolyposis colorectal cancer; Familial nonpolyposis colon cancer. Identifiers: Orphanet 443909, MedGen C1333990, MONDO:0018630. Disease mechanism: loss of function.
Hereditary cancer-predisposing syndrome. Also called: Neoplastic Syndromes, Hereditary; Hereditary neoplastic syndrome; Hereditary Cancer Syndrome; Tumor predisposition. Identifiers: Orphanet 140162, MedGen C0027672, MeSH D009386, MONDO:0015356.

Allele frequency attached by ClinVar (database versions not stated): gnomAD 0.00001; TOPMed 0.00001; ExAC 0.00003.
gnomAD v4.1: 19 of 1,594,088 alleles (0.0012%); highest among the groups gnomAD compares: South Asian, 0.0011%; no homozygotes.

Submissions (14):

Labcorp Genetics (formerly Invitae), Labcorp
Classification: Likely benign for Familial cancer of breast. Last evaluated: 2025-12-21. Review status: criteria provided, single submitter. Criteria: Invitae Variant Classification Sherloc (09022015). Collection method: clinical testing. Allele origin: germline.

Center for Genomic Medicine, Rigshospitalet, Copenhagen University Hospital
Classification: Likely benign. Last evaluated: 2025-03-04. Review status: criteria provided, single submitter. Criteria: ACMG Guidelines, 2015. Collection method: clinical testing. Allele origin: germline.

Myriad Genetics, Inc.
Classification: Benign for Familial cancer of breast. Last evaluated: 2024-10-08. Review status: criteria provided, single submitter. Criteria: Myriad Autosomal Dominant, Autosomal Recessive and X-Linked Classification Criteria (2023). Collection method: clinical testing. Allele origin: unknown.
Comment: This variant is considered benign. This variant is a silent/synonymous amino acid change and it is not expected to impact splicing.

Department of Pathology and Laboratory Medicine, Sinai Health System
Classification: Likely benign for hereditary nonpolyposis colon cancer. Last evaluated: 2024-09-12. Review status: criteria provided, single submitter. Criteria: ACMG Guidelines, 2015. Collection method: clinical testing. Allele origin: germline.

Blueprint Genetics
Classification: Likely benign. Last evaluated: 2024-05-31. Review status: criteria provided, single submitter. Criteria: ACMG Guidelines, 2015. Collection method: clinical testing. Allele origin: germline.

Quest Diagnostics Nichols Institute San Juan Capistrano
Classification: Likely benign. Last evaluated: 2023-06-30. Review status: criteria provided, single submitter. Criteria: Quest Diagnostics criteria. Collection method: clinical testing. Allele origin: unknown.

Institute for Biomarker Research, Medical Diagnostic Laboratories, L.L.C.
Classification: Likely benign for Hereditary cancer-predisposing syndrome. Last evaluated: 2023-03-21. Review status: criteria provided, single submitter. Criteria: ACMG Guidelines, 2015. Collection method: clinical testing. Allele origin: germline.

Sema4
Classification: Likely benign for Hereditary cancer-predisposing syndrome. Last evaluated: 2022-01-06. Review status: criteria provided, single submitter. Criteria: Sema4 Curation Guidelines. Collection method: curation. Allele origin: germline.

Women's Health and Genetics/Laboratory Corporation of America, LabCorp
Classification: Likely benign. Last evaluated: 2020-09-25. Review status: criteria provided, single submitter. Criteria: LabCorp Variant Classification Summary - May 2015. Collection method: clinical testing. Allele origin: germline.

Mendelics
Classification: Likely benign for Familial cancer of breast. Last evaluated: 2019-05-28. Review status: criteria provided, single submitter. Criteria: Mendelics Assertion Criteria 2017. Collection method: clinical testing. Allele origin: unknown.

GeneDx
Classification: Likely benign. Last evaluated: 2018-11-08. Review status: criteria provided, single submitter. Criteria: GeneDx Variant Classification Process June 2021. Collection method: clinical testing. Allele origin: germline. Affected: yes.

Illumina Laboratory Services, Illumina
Classification: Uncertain significance for CHEK2-Related Cancer Susceptibility. Last evaluated: 2018-01-13. Review status: criteria provided, single submitter. Criteria: ICSL Variant Classification Criteria 13 December 2019. Collection method: clinical testing. Allele origin: germline.

Color Diagnostics, LLC DBA Color Health
Classification: Likely benign for Hereditary cancer-predisposing syndrome. Last evaluated: 2016-12-16. Review status: criteria provided, single submitter. Criteria: ACMG Guidelines, 2015. Collection method: clinical testing. Allele origin: germline.

Ambry Genetics
Classification: Likely benign for Hereditary cancer-predisposing syndrome. Last evaluated: 2015-02-20. Review status: criteria provided, single submitter. Criteria: Ambry Variant Classification Scheme 2023. Collection method: clinical testing. Allele origin: germline.